The following is an entry in ClinVar:

ClinVar aggregate classification (germline): Pathogenic/Likely pathogenic. Review status: criteria provided, multiple submitters, no conflicts (2 of 4 stars). 7 submissions from 7 submitters: Pathogenic (1); Likely pathogenic (6). Last evaluated 2026-03-02.

Conditions:
Maple syrup urine disease type 1B (MSUD1B). Also called: MSUD type IB; MSUD type 3 (formerly); MSUD due to deficiency of e1-beta subunit of branched-chain alpha-keto acid dehydrogenase complex. Identifiers: MedGen C2930990, MONDO:0023692, OMIM 620698.
Maple syrup urine disease (MSUD). Identifiers: Orphanet 511, MedGen C0024776, MeSH D008375, MONDO:0009563. Disease mechanism: loss of function.

Allele frequency attached by ClinVar (database versions not stated): gnomAD exomes 0.00001; TOPMed below 0.00001; gnomAD 0.00001; ExAC 0.00002.
gnomAD v4.1: 14 of 1,613,994 alleles (0.00087%); highest among the groups gnomAD compares: Non-Finnish European, 0.0011%; no homozygotes.

Submissions (7):

GeneDx
Classification: Likely pathogenic. Last evaluated: 2026-03-02. Review status: criteria provided, single submitter. Criteria: GeneDx Variant Classification Process June 2021. Collection method: clinical testing. Allele origin: germline.
Comment: Not observed at significant frequency in large population cohorts (gnomAD); In silico analysis supports that this missense variant has a deleterious effect on protein structure/function; This variant is associated with the following publications: (PMID: 9375800, 38532509, 39270351)

Labcorp Genetics (formerly Invitae), Labcorp
Classification: Likely pathogenic for Maple syrup urine disease. Last evaluated: 2025-03-05. Review status: criteria provided, single submitter. Criteria: Invitae Variant Classification Sherloc (09022015). Collection method: clinical testing. Allele origin: germline.
Comment: This sequence change replaces asparagine, which is neutral and polar, with tyrosine, which is neutral and polar, at codon 176 of the BCKDHB protein (p.Asn176Tyr). This variant is present in population databases (rs398124582, gnomAD 0.002%). This missense change has been observed in individual(s) with maple syrup urine disease (PMID: 9375800). In at least one individual the data is consistent with being in trans (on the opposite chromosome) from a pathogenic variant. This variant is also known as Asn126Tyr. ClinVar contains an entry for this variant (Variation ID: 96593). Invitae Evidence Modeling of protein sequence and biophysical properties (such as structural, functional, and spatial information, amino acid conservation, physicochemical variation, residue mobility, and thermodynamic stability) indicates that this missense variant is not expected to disrupt BCKDHB protein function with a negative predictive value of 80%. Experimental studies have shown that this missense change affects BCKDHB function (PMID: 9375800). In summary, the currently available evidence indicates that the variant is pathogenic, but additional data are needed to prove that conclusively. Therefore, this variant has been classified as Likely Pathogenic.

Natera, Inc.
Classification: Likely pathogenic for Maple syrup urine disease type 1B. Last evaluated: 2024-12-11. Review status: criteria provided, single submitter. Criteria: Natera Variant Classification Schema (03/2026). Collection method: clinical testing. Allele origin: germline.
Comment: The c.526A>T variant in BCKDHB is a missense variant predicted to cause substitution of asparagine to tyrosine at amino acid 176. This variant is rare in the general population with a frequency below the threshold expected for the associated phenotype(s). This variant has been observed in one or more individuals affected with the associated recessive disease, as either homozygous or compound heterozygous with a second variant (PMID: 9375800). Functional studies show that this variant may disrupt protein function (PMID: 9375800). Computational prediction algorithms indicate this variant is likely to affect gene or protein function. Given the available evidence, this variant is classified as Likely Pathogenic.

Fulgent Genetics
Classification: Likely pathogenic for Maple syrup urine disease type 1B. Last evaluated: 2024-04-10. Review status: criteria provided, single submitter. Criteria: ACMG Guidelines, 2015. Collection method: clinical testing. Allele origin: germline.

Baylor Genetics
Classification: Likely pathogenic for Maple syrup urine disease type 1A. Last evaluated: 2023-10-18. Review status: criteria provided, single submitter. Criteria: ACMG Guidelines, 2015. Collection method: clinical testing. Allele origin: unknown.

Genome-Nilou Lab
Classification: Likely pathogenic for Maple syrup urine disease type 1A. Last evaluated: 2021-11-07. Review status: criteria provided, single submitter. Criteria: ACMG Guidelines, 2015. Collection method: clinical testing. Allele origin: germline. Affected: no.

Eurofins Ntd Llc (ga)
Classification: Pathogenic. Last evaluated: 2013-09-04. Review status: criteria provided, single submitter. Criteria: EGL Classification Definitions. Collection method: clinical testing. Allele origin: germline. Observed: 1 variant allele, 1 heterozygote.

Literature cited by the submitters: PubMed 9375800 (cited by Labcorp Genetics (formerly Invitae), Labcorp and Natera, Inc.).

NM_183050.4(BCKDHB):c.526A>T (p.Asn176Tyr)

Gene: BCKDHB (branched chain keto acid dehydrogenase E1 subunit beta; plus strand). Cytogenetic location: 6q14.1.
Variant type: single nucleotide variant.
Coding change: c.526A>T on transcript NM_183050.4 (MANE Select); coding-DNA position 526, A replaced by T.
Protein change: p.Asn176Tyr; replaces asparagine 176 with tyrosine.
Molecular consequence: missense variant. On other transcripts: non-coding transcript variant (1).
Genome position (GRCh38, 1-based): chr6:80,168,923, A>T. VCF-style: chr6-80168923-A-T. GRCh37 (hg19) VCF-style: chr6-80878640-A-T.
Other names: c.526A>T (NM_183050.3); c.526A>T, p.Asn176Tyr (NM_000056.5); c.316A>T, p.Asn106Tyr (NM_001318975.1); short protein forms N176Y, N106Y.
Identifiers: ClinVar variation 96593 (VCV000096593.21), dbSNP rs398124582, ClinGen allele CA224309.